The following is an entry in ClinVar:

ClinVar aggregate classification (germline): Uncertain significance (1 of 4 stars; one submission).

gnomAD v4.1: 1 of 1,613,956 alleles (0.000062%); highest among the groups gnomAD compares: Non-Finnish European, 0.000085%; no homozygotes.

Submission:

Athena Diagnostics
Classification: Uncertain significance. Last evaluated: 2022-12-06. Review status: criteria provided, single submitter. Criteria: Athena Diagnostics Criteria. Collection method: clinical testing. Allele origin: unknown.
Comment: Available data are insufficient to determine the clinical significance of the variant at this time. This variant has not been reported in large, multi-ethnic general populations. Computational tools predict that this variant is not damaging.

NM_182961.4(SYNE1):c.2264G>C (p.Arg755Thr)

Gene: SYNE1 (spectrin repeat containing nuclear envelope protein 1; minus strand). Cytogenetic location: 6q25.2.
Variant type: single nucleotide variant.
Coding change: c.2264G>C on transcript NM_182961.4 (MANE Select); coding-DNA position 2264, G replaced by C.
Protein change: p.Arg755Thr; replaces arginine 755 with threonine.
Molecular consequence: missense variant.
Genome position (GRCh38, 1-based): chr6:152,461,727, C>G on the plus strand (G>C on the coding strand, the complement: SYNE1 is on the minus strand). VCF-style: chr6-152461727-C-G. GRCh37 (hg19) VCF-style: chr6-152782862-C-G.
Other names: c.2285G>C, p.Arg762Thr (NM_033071.5); short protein forms R755T, R762T.
Identifiers: ClinVar variation 2684046 (VCV002684046.1), dbSNP rs1301440544, ClinGen allele CA366121082.